The following is an entry in ClinVar:

NM_000051.4(ATM):c.8554T>G (p.Tyr2852Asp)

Genes: ATM (ATM serine/threonine kinase; plus strand), C11orf65 (chromosome 11 open reading frame 65; minus strand). Cytogenetic location: 11q22.3.
Variant type: single nucleotide variant.
Coding change: c.8554T>G on transcript NM_000051.4 (MANE Select); coding-DNA position 8554, T replaced by G.
Protein change: p.Tyr2852Asp; replaces tyrosine 2852 with aspartic acid.
Molecular consequence: missense variant. On other transcripts: intron variant (2).
Genome position (GRCh38, 1-based): chr11:108,345,878, T>G. VCF-style: chr11-108345878-T-G. GRCh37 (hg19) VCF-style: chr11-108216605-T-G.
Other names: c.8554T>G, p.Tyr2852Asp (NM_001351834.2); c.641-36807A>C (NM_001330368.2); c.695-10586A>C (NM_001351110.2); short protein forms Y2852D.
Identifiers: ClinVar variation 2864170 (VCV002864170.3), dbSNP rs1064794108, ClinGen allele CA382518503.

ClinVar aggregate classification (germline): Uncertain significance (1 of 4 stars; one submission).

Conditions:
Ataxia-telangiectasia syndrome (AT). Also called: ATAXIA-TELANGIECTASIA, COMPLEMENTATION GROUP A; ATAXIA-TELANGIECTASIA, FRESNO VARIANT; Ataxia-telangiectasia; Ataxia-telangiectasia, complementation group E; LOUIS-BAR SYNDROME; Cerebello-oculocutaneous telangiectasia. Identifiers: Orphanet 100, MedGen C0004135, MONDO:0008840, OMIM 208900.

Submission:

Labcorp Genetics (formerly Invitae), Labcorp
Classification: Uncertain significance for Ataxia-telangiectasia syndrome. Last evaluated: 2023-05-14. Review status: criteria provided, single submitter. Criteria: Invitae Variant Classification Sherloc (09022015). Collection method: clinical testing. Allele origin: germline.
Comment: In summary, the available evidence is currently insufficient to determine the role of this variant in disease. Therefore, it has been classified as a Variant of Uncertain Significance. An algorithm developed to predict the effect of missense changes on protein structure and function (PolyPhen-2) suggests that this variant is likely to be disruptive. This variant has not been reported in the literature in individuals affected with ATM-related conditions. This variant is not present in population databases (gnomAD no frequency). This sequence change replaces tyrosine, which is neutral and polar, with aspartic acid, which is acidic and polar, at codon 2852 of the ATM protein (p.Tyr2852Asp).